The following is an entry in ClinVar:

NM_022124.6(CDH23):c.2171G>A (p.Arg724His)

Gene: CDH23 (cadherin related 23; plus strand). Cytogenetic location: 10q22.1.
Variant type: single nucleotide variant.
Coding change: c.2171G>A on transcript NM_022124.6 (MANE Select); coding-DNA position 2171, G replaced by A.
Protein change: p.Arg724His; replaces arginine 724 with histidine.
Molecular consequence: missense variant.
Genome position (GRCh38, 1-based): chr10:71,690,579, G>A. VCF-style: chr10-71690579-G-A. GRCh37 (hg19) VCF-style: chr10-73450336-G-A.
Other names: c.2171G>A, p.Arg724His (NM_001171930.2, NM_001171931.2); short protein forms R724H.
Identifiers: ClinVar variation 162893 (VCV000162893.33), dbSNP rs374955091, ClinGen allele CA175473.

ClinVar aggregate classification (germline): Conflicting classifications of pathogenicity. Review status: criteria provided, conflicting classifications (1 of 4 stars). 4 submissions from 4 submitters: Uncertain significance (3); Likely benign (1). Last evaluated 2025-12-27.

Allele frequency attached by ClinVar (database versions not stated): TOPMed 0.00002; ESP Exome Variant Server 0.00008; 1000 Genomes Project 30x 0.00016; 1000 Genomes Project 0.00020; gnomAD exomes 0.00030; ExAC 0.00071.
gnomAD v4.1: 241 of 1,588,044 alleles (0.015%); highest among the groups gnomAD compares: South Asian, 0.18%; no homozygotes.

Submissions (4):

Labcorp Genetics (formerly Invitae), Labcorp
Classification: Likely benign. Last evaluated: 2025-12-27. Review status: criteria provided, single submitter. Criteria: Invitae Variant Classification Sherloc (09022015). Collection method: clinical testing. Allele origin: germline.

Blueprint Genetics
Classification: Uncertain significance. Last evaluated: 2024-11-04. Review status: criteria provided, single submitter. Criteria: ACMG Guidelines, 2015. Collection method: clinical testing. Allele origin: germline.

CeGaT Center for Human Genetics Tuebingen
Classification: Uncertain significance. Last evaluated: 2024-06-01. Review status: criteria provided, single submitter. Criteria: CeGaT Center For Human Genetics Tuebingen Variant Classification Criteria Version 2. Collection method: clinical testing. Allele origin: germline. Affected: yes. Observed: 1 variant allele.

Laboratory for Molecular Medicine, Mass General Brigham Personalized Medicine
Classification: Uncertain significance. Last evaluated: 2014-07-09. Review status: criteria provided, single submitter. Criteria: LMM Criteria. Collection method: clinical testing. Allele origin: germline. Observed: 1 variant allele.
Comment: The Arg724His variant in CDH23 has not been previously reported in individuals w ith hearing loss, but has been identified in 0.03% (1/3864) of African American chromosomes by the NHLBI Exome Sequencing Project (EVS/; dbSNP rs374955091). Although this variant has been seen in the general pop ulation, its frequency is not high enough to rule out a pathogenic role. Computa tional prediction tools and conservation analyses suggest that the Arg724His var iant may impact the protein, though this information is not predictive enough to determine pathogenicity. In summary, the clinical significance of the Arg724His variant is uncertain